The following is an entry in ClinVar:

NM_001958.5(EEF1A2):c.342G>C (p.Leu114=)

Gene: EEF1A2 (eukaryotic translation elongation factor 1 alpha 2; minus strand). Cytogenetic location: 20q13.33.
Variant type: single nucleotide variant.
Coding change: c.342G>C on transcript NM_001958.5 (MANE Select); coding-DNA position 342, G replaced by C.
Protein change: p.Leu114=; no amino-acid change (leucine 114 retained).
Molecular consequence: synonymous variant.
Genome position (GRCh38, 1-based): chr20:63,495,084, C>G on the plus strand (G>C on the coding strand, the complement: EEF1A2 is on the minus strand). VCF-style: chr20-63495084-C-G. GRCh37 (hg19) VCF-style: chr20-62126437-C-G.
Identifiers: ClinVar variation 388173 (VCV000388173.1), dbSNP rs1057523020, ClinGen allele CA16608471.
Genomic context (GRCh38, chr20:63,495,084, plus strand): 5'-CCGCGTCTGCCCATTCTTGGAGATGCCCGCCTCGAACTCGCCCACGCCCGCCGCCACGAT[C>G]AGCACTGCGCAGTCCGCCTGCCCGGCAGGGGACACAGTGAGCCCTGCCCCGCCTGCCTGG-3'
Protein context (NP_001949.1, residues 104-124): TGTSQADCAV[Leu114=]IVAAGVGEFE

ClinVar aggregate classification (germline): Likely benign (1 of 4 stars; one submission).

Submission:

GeneDx
Classification: Likely benign. Last evaluated: 2016-08-01. Review status: criteria provided, single submitter. Criteria: GeneDx Variant Classification (06012015). Collection method: clinical testing. Allele origin: germline. Affected: yes.
Comment: This variant is considered likely benign or benign based on one or more of the following criteria: it is a conservative change, it occurs at a poorly conserved position in the protein, it is predicted to be benign by multiple in silico algorithms, and/or has population frequency not consistent with disease.